The following is an entry in ClinVar:

NM_030973.4(MED25):c.1003G>A (p.Ala335Thr)

Gene: MED25 (mediator complex subunit 25; plus strand). Cytogenetic location: 19q13.33.
Variant type: single nucleotide variant.
Coding change: c.1003G>A on transcript NM_030973.4 (MANE Select); coding-DNA position 1003, G replaced by A.
Protein change: p.Ala335Thr; replaces alanine 335 with threonine.
Molecular consequence: missense variant.
Genome position (GRCh38, 1-based): chr19:49,830,789, G>A. VCF-style: chr19-49830789-G-A. GRCh37 (hg19) VCF-style: chr19-50334046-G-A.
Other names: c.1003G>A, p.Ala335Thr (NM_001378355.1); short protein forms A335T.
Identifiers: ClinVar variation 949491 (VCV000949491.9), dbSNP rs1018204701, ClinGen allele CA309516442.

ClinVar aggregate classification (germline): Uncertain significance (1 of 4 stars; one submission).

Conditions:
Charcot-Marie-Tooth disease type 2. Also called: Charcot-Marie-Tooth type 2. Identifiers: Orphanet 64746, MedGen C0270914, MONDO:0018993.

Allele frequency attached by ClinVar (database versions not stated): TOPMed 0.00001; gnomAD exomes below 0.00001 and 0.00001; gnomAD 0.00001.
gnomAD v4.1: 11 of 1,612,416 alleles (0.00068%); highest among the groups gnomAD compares: East Asian, 0.0022%; no homozygotes.

Submission:

Labcorp Genetics (formerly Invitae), Labcorp
Classification: Uncertain significance for Charcot-Marie-Tooth disease type 2. Last evaluated: 2022-03-18. Review status: criteria provided, single submitter. Criteria: Invitae Variant Classification Sherloc (09022015). Collection method: clinical testing. Allele origin: germline.
Comment: This variant has not been reported in the literature in individuals affected with MED25-related conditions. ClinVar contains an entry for this variant (Variation ID: 949491). Algorithms developed to predict the effect of missense changes on protein structure and function (SIFT, PolyPhen-2, Align-GVGD) all suggest that this variant is likely to be tolerated. In summary, the available evidence is currently insufficient to determine the role of this variant in disease. Therefore, it has been classified as a Variant of Uncertain Significance. This variant is present in population databases (no rsID available, gnomAD 0.006%). This sequence change replaces alanine, which is neutral and non-polar, with threonine, which is neutral and polar, at codon 335 of the MED25 protein (p.Ala335Thr).